The following is an entry in ClinVar:

ClinVar aggregate classification (germline): Uncertain significance (1 of 4 stars; one submission).

Conditions:
Tuberous sclerosis syndrome (TSC). Also called: Tuberous Sclerosis Complex; Tuberous sclerosis. Identifiers: Orphanet 805, MedGen C0041341, MONDO:0001734.

gnomAD v4.1: 1 of 1,612,518 alleles (0.000062%); highest among the groups gnomAD compares: Non-Finnish European, 0.000085%; no homozygotes.

Submission:

Color Diagnostics, LLC DBA Color Health
Classification: Uncertain significance for Tuberous sclerosis syndrome. Last evaluated: 2025-06-17. Review status: criteria provided, single submitter. Criteria: ACMG Guidelines, 2015. Collection method: clinical testing. Allele origin: germline.
Comment: This missense variant replaces serine with tyrosine at codon 1281 of the TSC2 protein. Computational prediction is inconclusive regarding the impact of this variant on protein structure and function. To our knowledge, functional studies have not been reported for this variant. This variant has not been reported in individuals affected with TSC2-related disorders in the literature. This variant has not been identified in the general population by the Genome Aggregation Database (gnomAD). The available evidence is insufficient to determine the role of this variant in disease conclusively. Therefore, this variant is classified as a Variant of Uncertain Significance.

NM_000548.5(TSC2):c.3842C>A (p.Ser1281Tyr)

Gene: TSC2 (TSC complex subunit 2; plus strand). Cytogenetic location: 16p13.3.
Variant type: single nucleotide variant.
Coding change: c.3842C>A on transcript NM_000548.5 (MANE Select); coding-DNA position 3842, C replaced by A.
Protein change: p.Ser1281Tyr; replaces serine 1281 with tyrosine.
Molecular consequence: missense variant. On other transcripts: non-coding transcript variant (1), intron variant (33).
Genome position (GRCh38, 1-based): chr16:2,082,463, C>A. VCF-style: chr16-2082463-C-A. GRCh37 (hg19) VCF-style: chr16-2132464-C-A.
Other names: c.3110C>A, p.Ser1037Tyr (NM_001318831.2); c.3710C>A, p.Ser1237Tyr (NM_001370404.1, NM_001406665.1); c.3713C>A, p.Ser1238Tyr (NM_001370405.1, NM_021055.3); c.3839C>A, p.Ser1280Tyr (NM_001406663.1); c.3242C>A, p.Ser1081Tyr (NM_001406680.1); c.2369C>A, p.Ser790Tyr (NM_001406690.1); c.2366C>A, p.Ser789Tyr (NM_001406691.1); c.2341+665C>A (NM_001406693.1, NM_001406692.1, NM_001406694.1); and 25 more; short protein forms S1037Y, S1081Y, S1237Y, S1238Y, S1280Y, S1281Y, S789Y, S790Y.
Identifiers: ClinVar variation 4756916 (VCV004756916.1).
Genomic context (GRCh38, chr16:2,082,463, plus strand): 5'-GCTGACGTGGCCGCACACGGCCTTCCCTTGCAGTGGCCTCTTTCTCCTCCCTGTACCAGT[C>A]CAGCTGCCAAGGACAGCTGCACAGGAGCGTTTCCTGGGCAGGTATCGCCTCTCAGAGGGA-3'
Protein context (NP_000539.2, residues 1271-1291): TVASFSSLYQ[Ser1281Tyr]SCQGQLHRSV